The following is an entry in ClinVar:

NM_000742.4(CHRNA2):c.74G>C (p.Gly25Ala)

Gene: CHRNA2 (cholinergic receptor nicotinic alpha 2 subunit; minus strand). Cytogenetic location: 8p21.2.
Variant type: single nucleotide variant.
Coding change: c.74G>C on transcript NM_000742.4 (MANE Select); coding-DNA position 74, G replaced by C.
Protein change: p.Gly25Ala; replaces glycine 25 with alanine.
Molecular consequence: missense variant. On other transcripts: 5 prime UTR variant (4).
Genome position (GRCh38, 1-based): chr8:27,469,981, C>G on the plus strand (G>C on the coding strand, the complement: CHRNA2 is on the minus strand). VCF-style: chr8-27469981-C-G. GRCh37 (hg19) VCF-style: chr8-27327498-C-G.
Other names: c.74G>C, p.Gly25Ala (NM_001282455.2); c.-354G>C (NM_001347705.2); c.-399G>C (NM_001347706.2); c.-340G>C (NM_001347707.2); c.-388G>C (NM_001347708.2); short protein forms G25A.
Identifiers: ClinVar variation 2703053 (VCV002703053.3), dbSNP rs1417798656, ClinGen allele CA370813651.
Genomic context (GRCh38, chr8:27,469,981, plus strand): 5'-CTGGGAGAGGAGAGTGGGTCTCCAGGAGCCCTGGGAGGTGGGCGCTTAGCTTCCTCTCCA[C>G]CTGCCATCAAATCAGAGCCACTCAGCCTCACTGAGCCTCAGTTTGCTCATCTGTAAAATG-3'
Protein context (NP_000733.2, residues 15-35): SLWWLLLTPA[Gly25Ala]GEEAKRPPPR

ClinVar aggregate classification (germline): Uncertain significance (1 of 4 stars; one submission).

Conditions:
Familial sleep-related hypermotor epilepsy. Also called: Autosomal Dominant Sleep-Related Hypermotor (Hyperkinetic) Epilepsy. Identifiers: Orphanet 98784, MedGen C3696898, MONDO:0000030.

Submission:

Labcorp Genetics (formerly Invitae), Labcorp
Classification: Uncertain significance. Last evaluated: 2023-12-14. Review status: criteria provided, single submitter. Criteria: Invitae Variant Classification Sherloc (09022015). Collection method: clinical testing. Allele origin: germline.
Comment: This sequence change replaces glycine, which is neutral and non-polar, with alanine, which is neutral and non-polar, at codon 25 of the CHRNA2 protein (p.Gly25Ala). This variant is not present in population databases (gnomAD no frequency). This variant has not been reported in the literature in individuals affected with CHRNA2-related conditions. An algorithm developed to predict the effect of missense changes on protein structure and function (PolyPhen-2) suggests that this variant is likely to be tolerated. Algorithms developed to predict the effect of sequence changes on RNA splicing suggest that this variant may disrupt the consensus splice site. In summary, the available evidence is currently insufficient to determine the role of this variant in disease. Therefore, it has been classified as a Variant of Uncertain Significance.